The following is an entry in ClinVar:

ClinVar aggregate classification (germline): Uncertain significance. Review status: criteria provided, multiple submitters, no conflicts (2 of 4 stars). 2 submissions from 2 submitters: Uncertain significance (2). Last evaluated 2025-03-17.

Allele frequency attached by ClinVar (database versions not stated): TOPMed 0.00003; gnomAD 0.00006; gnomAD exomes 0.00015 and 0.00033; ExAC 0.00066.

Submissions (2):

Labcorp Genetics (formerly Invitae), Labcorp
Classification: Uncertain significance. Last evaluated: 2025-03-17. Review status: criteria provided, single submitter. Criteria: Invitae Variant Classification Sherloc (09022015). Collection method: clinical testing. Allele origin: germline.
Comment: This sequence change replaces arginine, which is basic and polar, with tryptophan, which is neutral and slightly polar, at codon 224 of the TBX6 protein (p.Arg224Trp). This variant is present in population databases (rs202084430, gnomAD 0.07%), and has an allele count higher than expected for a pathogenic variant. This variant has not been reported in the literature in individuals affected with TBX6-related conditions. ClinVar contains an entry for this variant (Variation ID: 1477896). Invitae Evidence Modeling of protein sequence and biophysical properties (such as structural, functional, and spatial information, amino acid conservation, physicochemical variation, residue mobility, and thermodynamic stability) has been performed for this missense variant. However, the output from this modeling did not meet the statistical confidence thresholds required to predict the impact of this variant on TBX6 protein function. In summary, the available evidence is currently insufficient to determine the role of this variant in disease. Therefore, it has been classified as a Variant of Uncertain Significance.

Blueprint Genetics
Classification: Uncertain significance. Last evaluated: 2024-11-19. Review status: criteria provided, single submitter. Criteria: ACMG Guidelines, 2015. Collection method: clinical testing. Allele origin: germline.

NM_004608.4(TBX6):c.670C>T (p.Arg224Trp)

Gene: TBX6 (T-box transcription factor 6; minus strand). Cytogenetic location: 16p11.2.
Variant type: single nucleotide variant.
Coding change: c.670C>T on transcript NM_004608.4 (MANE Select); coding-DNA position 670, C replaced by T.
Protein change: p.Arg224Trp; replaces arginine 224 with tryptophan.
Molecular consequence: missense variant.
Genome position (GRCh38, 1-based): chr16:30,088,791, G>A on the plus strand (C>T on the coding strand, the complement: TBX6 is on the minus strand). VCF-style: chr16-30088791-G-A. GRCh37 (hg19) VCF-style: chr16-30100112-G-A.
Other names: short protein forms R224W.
Identifiers: ClinVar variation 1477896 (VCV001477896.9), dbSNP rs202084430, ClinGen allele CA8001845.
Genomic context (GRCh38, chr16:30,088,791, plus strand): 5'-TCTCGGGGAAGCGGAAGGAGGCCATGCCCCCCCAGTGCTGGCTGCAGAGCTGGGCTGCCC[G>A]AACTAGGTGTATGCGGGGTTGGTACTTGTGCATGGAGTGCAGGATCAGCTGGGAGGGAGG-3'
Protein context (NP_004599.2, residues 214-234): HKYQPRIHLV[Arg224Trp]AAQLCSQHWG